The following is an entry in ClinVar:

NM_000038.6(APC):c.219del (p.Glu74fs)

Gene: APC (APC regulator of Wnt signaling pathway; plus strand). Cytogenetic location: 5q22.2.
Variant type: Deletion.
Coding change: c.219del on transcript NM_000038.6 (MANE Select); coding-DNA position 219, one base deleted (A; older notation c.219delA).
Protein change: p.Glu74fs; shifts the reading frame from glutamic acid 74.
Molecular consequence: frameshift variant. On other transcripts: 5 prime UTR variant (1).
Genome position (GRCh38, 1-based): chr5:112,766,409, A deleted; the last of 3 consecutive A bases (chr5:112,766,407-112,766,409); deleting any one gives the same sequence. VCF-style (leftmost placement, unchanged base first): chr5-112766406-TA-T. GRCh37 (hg19) VCF-style: chr5-112102103-TA-T.
Other names: c.219del, p.Glu74fs (NM_001127510.3, NM_001354895.2, NM_001354896.2 and 2 more transcripts); c.249del, p.Glu84fs (NM_001127511.3, NM_001354897.2, NM_001354902.2); c.144del, p.Glu49fs (NM_001354898.2, NM_001354904.2); c.42del, p.Glu15fs (NM_001354900.2, NM_001354901.2, NM_001354905.2); c.-817del (NM_001354906.2); c.219delA (NM_000038.5, NM_000038.6); short protein forms E84fs, E74fs, E15fs, E49fs.
Identifiers: ClinVar variation 971101 (VCV000971101.13), dbSNP rs1756336297, ClinGen allele CA1139658986.

ClinVar aggregate classification (germline): Pathogenic. Review status: criteria provided, multiple submitters, no conflicts (2 of 4 stars). 6 submissions from 6 submitters: Pathogenic (6). Last evaluated 2026-01-12.

Conditions:
Familial multiple polyposis syndrome (FAP). Also called: Familial Adenomatous Polyposis (FAP); Familial adenomatous polyposis; Familial intestinal polyposis; Familial polyposis; Classic familial adenomatous polyposis. Identifiers: Orphanet 733, MedGen C0032580, MONDO:0021055. Disease mechanism: loss of function.
Hereditary cancer-predisposing syndrome. Also called: Neoplastic Syndromes, Hereditary; Hereditary Cancer Syndrome; Tumor predisposition; Hereditary neoplastic syndrome. Identifiers: Orphanet 140162, MedGen C0027672, MeSH D009386, MONDO:0015356.
Familial adenomatous polyposis 1 (FAP1). Also called: FAMILIAL ADENOMATOUS POLYPOSIS 1, ATTENUATED; POLYPOSIS, ADENOMATOUS INTESTINAL. Identifiers: MedGen C2713442, MONDO:0021056, OMIM 175100. Disease mechanism: loss of function.

Submissions (6):

Women's Health and Genetics/Laboratory Corporation of America, LabCorp
Classification: Pathogenic for Familial multiple polyposis syndrome. Last evaluated: 2026-01-12. Review status: criteria provided, single submitter. Criteria: LabCorp Variant Classification Summary - May 2015. Collection method: clinical testing. Allele origin: germline.
Comment: Variant summary: APC c.219delA (p.Glu74SerfsX4) results in a premature termination codon, predicted to cause a truncation of the encoded protein or absence of the protein due to nonsense mediated decay, which are commonly known mechanisms for disease. The variant was absent in 250788 control chromosomes. To our knowledge, no occurrence of c.219delA in individuals affected with APC-related conditions and no experimental evidence demonstrating its impact on protein function have been reported. ClinVar contains an entry for this variant (Variation ID: 971101). Based on the evidence outlined above, the variant was classified as pathogenic.

Color Diagnostics, LLC DBA Color Health
Classification: Pathogenic for Hereditary cancer-predisposing syndrome. Last evaluated: 2025-10-28. Review status: criteria provided, single submitter. Criteria: ACMG Guidelines, 2015. Collection method: clinical testing. Allele origin: germline.
Comment: This variant deletes 1 nucleotide in exon 3 of the APC gene, creating a frameshift and premature translation stop signal. This variant is expected to result in an absent or non-functional protein product. To our knowledge, this variant has not been reported in individuals affected with APC-related disorders in the literature. This variant has not been identified in the general population by the Genome Aggregation Database (gnomAD). Loss of APC function is a known mechanism of disease. Based on the available evidence, this variant is classified as Pathogenic.

Ambry Genetics
Classification: Pathogenic for Hereditary cancer-predisposing syndrome. Last evaluated: 2024-11-01. Review status: criteria provided, single submitter. Criteria: Ambry Variant Classification Scheme 2023. Collection method: clinical testing. Allele origin: germline.
Comment: The c.219delA pathogenic mutation, located in coding exon 2 of the APC gene, results from a deletion of one nucleotide at nucleotide position 219, causing a translational frameshift with a predicted alternate stop codon (p.E74Sfs*4). This variant has been observed in at least one individual with a personal and/or family history that is consistent with familial adenomatous polyposis (Ambry internal data). This variant is considered to be rare based on population cohorts in the Genome Aggregation Database (gnomAD). This alteration is expected to result in loss of function by premature protein truncation or nonsense-mediated mRNA decay. As such, this alteration is interpreted as a disease-causing mutation.

Labcorp Genetics (formerly Invitae), Labcorp
Classification: Pathogenic for Familial adenomatous polyposis 1. Last evaluated: 2024-07-23. Review status: criteria provided, single submitter. Criteria: Invitae Variant Classification Sherloc (09022015). Collection method: clinical testing. Allele origin: germline.
Comment: This sequence change creates a premature translational stop signal (p.Glu74Serfs*4) in the APC gene. It is expected to result in an absent or disrupted protein product. Loss-of-function variants in APC are known to be pathogenic (PMID: 17963004, 20685668). This variant is not present in population databases (gnomAD no frequency). This variant has not been reported in the literature in individuals affected with APC-related conditions. ClinVar contains an entry for this variant (Variation ID: 971101). For these reasons, this variant has been classified as Pathogenic.

Myriad Genetics, Inc.
Classification: Pathogenic for Familial adenomatous polyposis 1. Last evaluated: 2023-04-25. Review status: criteria provided, single submitter. Criteria: Myriad Autosomal Dominant, Autosomal Recessive and X-Linked Classification Criteria (2023). Collection method: clinical testing. Allele origin: unknown.
Comment: This variant is considered pathogenic. This variant creates a frameshift predicted to result in premature protein truncation.

Quest Diagnostics Nichols Institute San Juan Capistrano
Classification: Pathogenic. Last evaluated: 2021-01-15. Review status: criteria provided, single submitter. Criteria: Quest Diagnostics criteria. Collection method: clinical testing. Allele origin: unknown.
Comment: This variant is expected to result in the loss of a functional protein. This variant has not been reported in large, multi-ethnic general populations. Found in at least one patient with expected phenotype for this gene.

Literature cited by the submitters: PubMed 17963004 (cited by Labcorp Genetics (formerly Invitae), Labcorp); PubMed 20685668 (cited by Labcorp Genetics (formerly Invitae), Labcorp).